The following is an entry in ClinVar:

NM_182961.4(SYNE1):c.10366A>G (p.Met3456Val)

Gene: SYNE1 (spectrin repeat containing nuclear envelope protein 1; minus strand). Cytogenetic location: 6q25.2.
Variant type: single nucleotide variant.
Coding change: c.10366A>G on transcript NM_182961.4 (MANE Select); coding-DNA position 10366, A replaced by G.
Protein change: p.Met3456Val; replaces methionine 3456 with valine.
Molecular consequence: missense variant.
Genome position (GRCh38, 1-based): chr6:152,359,392, T>C on the plus strand (A>G on the coding strand, the complement: SYNE1 is on the minus strand). VCF-style: chr6-152359392-T-C. GRCh37 (hg19) VCF-style: chr6-152680527-T-C.
Other names: c.10387A>G (NM_033071.3); c.10387A>G, p.Met3463Val (NM_033071.5); short protein forms M3456V, M3463V.
Identifiers: ClinVar variation 500008 (VCV000500008.12), dbSNP rs1270266905, ClinGen allele CA366128405.

ClinVar aggregate classification (germline): Uncertain significance. Review status: criteria provided, multiple submitters, no conflicts (2 of 4 stars). 3 submissions from 3 submitters: Uncertain significance (3). Last evaluated 2023-10-26.

Conditions:
Emery-Dreifuss muscular dystrophy 4, autosomal dominant (EDMD4). Also called: EMERY-DREIFUSS MUSCULAR DYSTROPHY 4 WITH VARIABLE FEATURES. Identifiers: Orphanet 261, MedGen C2751807, MONDO:0013071, OMIM 612998.
Autosomal recessive ataxia, Beauce type. Also called: SYNE1 Deficiency; Spinocerebellar ataxia, autosomal recessive 8; ATAXIA, RECESSIVE, OF BEAUCE; SYNE1-Related Autosomal Recessive Cerebellar Ataxia. Identifiers: Orphanet 88644, MedGen C1853116, MONDO:0012549, OMIM 610743.

Allele frequency attached by ClinVar (database versions not stated): gnomAD exomes below 0.00001; TOPMed below 0.00001; gnomAD 0.00001.
gnomAD v4.1: 2 of 1,614,092 alleles (0.00012%); highest among the groups gnomAD compares: Admixed American, 0.0017%; no homozygotes.

Submissions (3):

Revvity Omics, Revvity
Classification: Uncertain significance. Last evaluated: 2023-10-26. Review status: criteria provided, single submitter. Criteria: ACMG Guidelines, 2015. Collection method: clinical testing. Allele origin: germline.

Labcorp Genetics (formerly Invitae), Labcorp
Classification: Uncertain significance for Emery-Dreifuss muscular dystrophy 4, autosomal dominant; Autosomal recessive ataxia, Beauce type. Last evaluated: 2022-01-27. Review status: criteria provided, single submitter. Criteria: Invitae Variant Classification Sherloc (09022015). Collection method: clinical testing. Allele origin: germline.
Comment: This sequence change replaces methionine, which is neutral and non-polar, with valine, which is neutral and non-polar, at codon 3463 of the SYNE1 protein (p.Met3463Val). This variant is not present in population databases (gnomAD no frequency). This variant has not been reported in the literature in individuals affected with SYNE1-related conditions. ClinVar contains an entry for this variant (Variation ID: 500008). Algorithms developed to predict the effect of missense changes on protein structure and function are either unavailable or do not agree on the potential impact of this missense change (SIFT: "Deleterious"; PolyPhen-2: "Benign"; Align-GVGD: "Class C15"). In summary, the available evidence is currently insufficient to determine the role of this variant in disease. Therefore, it has been classified as a Variant of Uncertain Significance.

Eurofins Ntd Llc (ga)
Classification: Uncertain significance. Last evaluated: 2017-01-19. Review status: criteria provided, single submitter. Criteria: EGL Classification Definitions 2015. Collection method: clinical testing. Allele origin: germline. Observed: 1 variant allele, 1 heterozygote.